The following is an entry in ClinVar:

ClinVar aggregate classification (germline): Uncertain significance (1 of 4 stars; one submission).

Conditions:
Landau-Kleffner syndrome (FESD). Also called: EPILEPSY, FOCAL, WITH SPEECH DISORDER AND WITH OR WITHOUT MENTAL RETARDATION; APHASIA, ACQUIRED, WITH EPILEPSY. Identifiers: Orphanet 1945, Orphanet 725, Orphanet 98818, MedGen C0282512, MONDO:0009509, OMIM 245570.

Submission:

Labcorp Genetics (formerly Invitae), Labcorp
Classification: Uncertain significance for Landau-Kleffner syndrome. Last evaluated: 2025-03-24. Review status: criteria provided, single submitter. Criteria: Invitae Variant Classification Sherloc (09022015). Collection method: clinical testing. Allele origin: germline.
Comment: This sequence change replaces lysine, which is basic and polar, with glutamic acid, which is acidic and polar, at codon 592 of the GRIN2A protein (p.Lys592Glu). This variant is not present in population databases (gnomAD no frequency). This variant has not been reported in the literature in individuals affected with GRIN2A-related conditions. Invitae Evidence Modeling of protein sequence and biophysical properties (such as structural, functional, and spatial information, amino acid conservation, physicochemical variation, residue mobility, and thermodynamic stability) has been performed for this missense variant. However, the output from this modeling did not meet the statistical confidence thresholds required to predict the impact of this variant on GRIN2A protein function. In summary, the available evidence is currently insufficient to determine the role of this variant in disease. Therefore, it has been classified as a Variant of Uncertain Significance.

NM_001134407.3(GRIN2A):c.1774A>G (p.Lys592Glu)

Gene: GRIN2A (glutamate ionotropic receptor NMDA type subunit 2A; minus strand). Cytogenetic location: 16p13.2.
Variant type: single nucleotide variant.
Coding change: c.1774A>G on transcript NM_001134407.3 (MANE Select); coding-DNA position 1774, A replaced by G.
Protein change: p.Lys592Glu; replaces lysine 592 with glutamic acid.
Molecular consequence: missense variant.
Genome position (GRCh38, 1-based): chr16:9,834,108, T>C on the plus strand (A>G on the coding strand, the complement: GRIN2A is on the minus strand). VCF-style: chr16-9834108-T-C. GRCh37 (hg19) VCF-style: chr16-9927965-T-C.
Other names: c.1774A>G, p.Lys592Glu (NM_000833.5, NM_001134408.2); short protein forms K592E.
Identifiers: ClinVar variation 4750031 (VCV004750031.1).
Genomic context (GRCh38, chr16:9,834,108, plus strand): 5'-ATTAAAGGTAAATGAAATTGCAACAACATTGAATCATGCTCATGAAGGTACCCTTACCTT[T>C]CCCTTTGGCTAAGTTTCTGTTGTATCCAACAGGGCTGAAGTATTCAAAGACAAAAACAGC-3'
Protein context (NP_001127879.1, residues 582-602): VGYNRNLAKG[Lys592Glu]APHGPSFTIG